The following is an entry in ClinVar:

ClinVar aggregate classification (germline): Pathogenic (1 of 4 stars; one submission).

Submission:

Labcorp Genetics (formerly Invitae), Labcorp
Classification: Pathogenic. Last evaluated: 2023-06-27. Review status: criteria provided, single submitter. Criteria: Invitae Variant Classification Sherloc (09022015). Collection method: clinical testing. Allele origin: germline.
Comment: For these reasons, this variant has been classified as Pathogenic. This variant has not been reported in the literature in individuals affected with COL7A1-related conditions. This variant is not present in population databases (gnomAD no frequency). This sequence change creates a premature translational stop signal (p.Pro2649Argfs*35) in the COL7A1 gene. It is expected to result in an absent or disrupted protein product. Loss-of-function variants in COL7A1 are known to be pathogenic (PMID: 16971478).

Literature cited by the submitters: PubMed 16971478.

NM_000094.4(COL7A1):c.7945_7946del (p.Pro2649fs)

Gene: COL7A1 (collagen type VII alpha 1 chain; minus strand). Cytogenetic location: 3p21.31.
Variant type: Deletion.
Coding change: c.7945_7946del on transcript NM_000094.4 (MANE Select); coding-DNA positions 7945 to 7946, 2 bases deleted (CC; older notation c.7945_7946delCC).
Protein change: p.Pro2649fs; shifts the reading frame from proline 2649.
Molecular consequence: frameshift variant.
Genome position (GRCh38, 1-based): chr3:48,567,747-48,567,748, GG deleted on the plus strand (CC on the coding strand, the reverse complement: COL7A1 is on the minus strand); deleting any 2 consecutive bases within chr3:48,567,747-48,567,751 gives the same sequence; the c. name uses the placement nearest the transcript's 3' end. VCF-style (leftmost placement, unchanged base first): chr3-48567746-TGG-T. GRCh37 (hg19) VCF-style: chr3-48605179-TGG-T.
Other names: short protein forms P2649fs.
Identifiers: ClinVar variation 2730036 (VCV002730036.3), dbSNP rs2530825910, ClinGen allele CA2697550898.
Genomic context (GRCh38, chr3:48,567,746, plus strand): 5'-CATTCTGAGCGTGCCCACACTCACCATCTCTCCTTTGTGTCCTGCCAGCCCGGGGCGGCC[TGG>T]GGGACCAGCTTCTCCCTGCAGGCATCAGGCAGTGGGGTGAGCCTTAGGCCCCAGGCCACG-3'